The following is an entry in ClinVar:

NM_000212.3(ITGB3):c.665T>C (p.Leu222Pro)

Gene: ITGB3 (integrin subunit beta 3; plus strand). Cytogenetic location: 17q21.32.
Variant type: single nucleotide variant.
Coding change: c.665T>C on transcript NM_000212.3 (MANE Select); coding-DNA position 665, T replaced by C.
Protein change: p.Leu222Pro; replaces leucine 222 with proline.
Molecular consequence: missense variant.
Genome position (GRCh38, 1-based): chr17:47,286,310, T>C. VCF-style: chr17-47286310-T-C. GRCh37 (hg19) VCF-style: chr17-45363676-T-C.
Other names: p.Leu222Pro; c.665T>C (NM_000212.2); short protein forms L222P.
Identifiers: ClinVar variation 996163 (VCV000996163.10), dbSNP rs79208797, ClinGen allele CA291224887.
Genomic context (GRCh38, chr17:47,286,310, plus strand): 5'-CCCTCCCCAGTATGAAGACCACCTGCTTGCCCATGTTTGGCTACAAACACGTGCTGACGC[T>C]AACTGACCAGGTGACCCGCTTCAATGAGGAAGTGAAGAAGCAGAGTGTGTCACGGAACCG-3'
Protein context (NP_000203.2, residues 212-232): PMFGYKHVLT[Leu222Pro]TDQVTRFNEE

ClinVar aggregate classification (germline): Pathogenic. Review status: reviewed by expert panel (3 of 4 stars). 6 submissions from 6 submitters: Pathogenic (1). 5 of the submissions do not count toward it. Last evaluated 2020-11-10.

Conditions:
Glanzmann thrombasthenia 2. Also called: BLEEDING DISORDER, PLATELET-TYPE, 23. Identifiers: MedGen C5543273, MONDO:0031009, OMIM 619267.
Glanzmann thrombasthenia 1 (GT1). Also called: BLEEDING DISORDER, PLATELET-TYPE, 2; GP IIb-IIIa COMPLEX DEFICIENCY; GLYCOPROTEIN COMPLEX IIb-IIIa DEFICIENCY; PLATELET FIBRINOGEN RECEPTOR DEFICIENCY. Identifiers: MedGen CN300358, MONDO:0031332, OMIM 273800.
Glanzmann thrombasthenia. Also called: THROMBASTHENIA OF GLANZMANN AND NAEGELI; Thrombasthenia; Glanzmann's thrombasthenia; PLATELET GLYCOPROTEIN IIb-IIIa DEFICIENCY. Identifiers: Orphanet 849, MedGen C0040015, MONDO:0100326.

Allele frequency attached by ClinVar (database versions not stated): gnomAD 0.00001; gnomAD exomes below 0.00001; TOPMed below 0.00001.
gnomAD v4.1: 3 of 1,614,066 alleles (0.00019%); highest among the groups gnomAD compares: Non-Finnish European, 0.00017%; no homozygotes.

Submissions (6):

ClinGen Platelet Disorders Variant Curation Expert Panel, ClinGen
Classification: Pathogenic for Glanzmann thrombasthenia. Last evaluated: 2020-11-10. Review status: reviewed by expert panel. Criteria: ClinGen Platelet ACMG Specifications v2. Collection method: curation. Allele origin: germline. Inheritance: Autosomal recessive inheritance.
Comment: NM_000212.3(ITGB3):c.665T>C (p.Leu222Pro) is a missense variant which has been previously reported in at least two symptomatic individuals who meet the diagnostic criteria for the GT phenotype (PMIDs:25728920, 11897046). This variant is present at an extremely low MAF of 0.000064 in the Non-Finnish European subpopulation in gnomAD. This variant has been predicted to be deleterious by multiple in silico tools (REVEL score = 0.97). This variant has been reported to occur in the homozygous state in one proband as well as in heterozygous state with another pathogenic variant (p.Cys624Tyr) in a non related proband. Functional studies have demonstrated a deleterious effect on the gene product, preventing the binding of soluble fibrinogen and fibrinogen mimetic antibodies (PMID: 11776310). This variant meets GT specific criteria for PS3, PP4_strong, PM2_supporting, PP3 and PM3_supporting and is therefore classified as Pathogenic.

Dasa
Classification: Pathogenic. Last evaluated: 2025-11-27. Review status: criteria provided, single submitter. Criteria: DASA Assertion Criteria. Collection method: clinical testing. Allele origin: germline. Not counted in ClinVar's aggregate classification.
Comment: NM_000212.3(ITGB3):c.665T>C (p.Leu222Pro) is a missense variant that results in the substitution of leucine with proline. This variant has been observed in affected individuals with related phenotype in a genotype context consistent with recessive disease (PMID: 11776310; PMID: 25728920; PMID: 1703149; PMID: 20020534). Functional evidence supports a deleterious effect on the gene or gene product (PMID: 11776310; PMID: 25728920; PMID: 1703149; PMID: 20020534). This variant has been recurrently observed in individuals with related phenotype (PMID: 11776310; PMID: 25728920; PMID: 1703149; PMID: 20020534). Multiple computational predictions support a deleterious effect on the gene or gene product. The variant is present at low frequency in population datasets. Based on the available data, this variant is classified as pathogenic.

Labcorp Genetics (formerly Invitae), Labcorp
Classification: Pathogenic. Last evaluated: 2025-11-23. Review status: criteria provided, single submitter. Criteria: Invitae Variant Classification Sherloc (09022015). Collection method: clinical testing. Allele origin: germline. Not counted in ClinVar's aggregate classification.
Comment: This sequence change replaces leucine, which is neutral and non-polar, with proline, which is neutral and non-polar, at codon 222 of the ITGB3 protein (p.Leu222Pro). This variant is present in population databases (rs79208797, gnomAD 0.002%). This missense change has been observed in individual(s) with autosomal recessive Glanzmann thrombasthenia (PMID: 20020534, 20438394, 25539746). In at least one individual the data is consistent with being in trans (on the opposite chromosome) from a pathogenic variant. This variant is also known as p.Leu196Pro. ClinVar contains an entry for this variant (Variation ID: 996163). Invitae Evidence Modeling of protein sequence and biophysical properties (such as structural, functional, and spatial information, amino acid conservation, physicochemical variation, residue mobility, and thermodynamic stability) indicates that this missense variant is expected to disrupt ITGB3 protein function with a positive predictive value of 95%. For these reasons, this variant has been classified as Pathogenic.

Women's Health and Genetics/Laboratory Corporation of America, LabCorp
Classification: Pathogenic for Glanzmann thrombasthenia 2. Last evaluated: 2025-01-14. Review status: criteria provided, single submitter. Criteria: LabCorp Variant Classification Summary - May 2015. Collection method: clinical testing. Allele origin: germline. Not counted in ClinVar's aggregate classification.
Comment: Variant summary: ITGB3 c.665T>C (p.Leu222Pro) results in a non-conservative amino acid change located in the Integrin beta subunit, VWA domain (IPR002369) of the encoded protein sequence. Five of five in-silico tools predict a damaging effect of the variant on protein function. The variant was absent in 249036 control chromosomes. c.665T>C has been reported in the literature in the homozygous state and compound heterozygous state in individuals affected with Glanzmann Thrombasthenia 2 (e.g. Jallu_2010, Fiore_2012, Sanchez-Guiu_2014). These data indicate that the variant is likely to be associated with disease. At least one publication has reported experimental evidence evaluating an impact on protein function and found that the variant results in the inhibition of alphavbeta3-mediated cell adhesion and clot retraction and demonstrated a reduced surface exposure of the alphaIIbbeta3 receptor, which was inaccordance with the type II thrombasthenic phenotype observed in a homozygous patient (Morel-Kopp_2001). The following publications have been ascertained in the context of this evaluation (PMID: 28983057, 22250950, 20020534, 11776310, 25728920, 25539746). ClinVar contains an entry for this variant (Variation ID: 996163). Based on the evidence outlined above, the variant was classified as pathogenic.

Mayo Clinic Laboratories, Mayo Clinic
Classification: Pathogenic. Last evaluated: 2024-01-11. Review status: criteria provided, single submitter. Criteria: ACMG Guidelines, 2015. Collection method: clinical testing. Allele origin: germline. Observed: 1 variant allele. Not counted in ClinVar's aggregate classification.
Comment: PP3, PP4_strong, PM2_moderate, PM3_strong, PS3

ISTH-SSC Genomics in Thrombosis and Hemostasis, KU Leuven, Center for Molecular and Vascular Biology
Classification: Likely pathogenic for Glanzmann thrombasthenia 1. Review status: no assertion criteria provided. Collection method: research. Allele origin: germline. Affected: yes. Not counted in ClinVar's aggregate classification.
Comment: Submitted to GoldVariant by Jose María Bastida from Grupo Español de Alteraciones Plaquetarias Congénitas (GEAPC), Salamanca, Spain

Literature cited by the submitters: PubMed 11776310 (cited by 4 submitters); PubMed 25728920 (cited by 4 submitters); PubMed 1703149 (cited by Dasa); PubMed 20020534 (cited by 4 submitters); PubMed 20438394 (cited by Labcorp Genetics (formerly Invitae), Labcorp); PubMed 25539746 (cited by 3 submitters); PubMed 28983057 (cited by Women's Health and Genetics/Laboratory Corporation of America, LabCorp); PubMed 22250950 (cited by Women's Health and Genetics/Laboratory Corporation of America, LabCorp); PubMed 11897046 (cited by Mayo Clinic Laboratories, Mayo Clinic).